The following is an entry in ClinVar:

ClinVar aggregate classification (germline): Uncertain significance (1 of 4 stars; one submission).

Allele frequency attached by ClinVar (database versions not stated): gnomAD exomes 0.00007 and 0.00009; ExAC 0.00008; TOPMed 0.00010; gnomAD 0.00011; 1000 Genomes Project 30x 0.00047; 1000 Genomes Project 0.00060.
gnomAD v4.1: 151 of 1,613,428 alleles (0.0094%); highest among the groups gnomAD compares: Middle Eastern, 0.15%; no homozygotes.

Submission:

Labcorp Genetics (formerly Invitae), Labcorp
Classification: Uncertain significance. Last evaluated: 2022-04-28. Review status: criteria provided, single submitter. Criteria: Invitae Variant Classification Sherloc (09022015). Collection method: clinical testing. Allele origin: germline.
Comment: This sequence change replaces alanine, which is neutral and non-polar, with threonine, which is neutral and polar, at codon 697 of the ZNF341 protein (p.Ala697Thr). This variant is present in population databases (rs570540546, gnomAD 0.01%). This variant has not been reported in the literature in individuals affected with ZNF341-related conditions. Algorithms developed to predict the effect of missense changes on protein structure and function (SIFT, PolyPhen-2, Align-GVGD) all suggest that this variant is likely to be tolerated. In summary, the available evidence is currently insufficient to determine the role of this variant in disease. Therefore, it has been classified as a Variant of Uncertain Significance.

NM_001282933.2(ZNF341):c.2110G>A (p.Ala704Thr)

Genes: ZNF341 (zinc finger protein 341; plus strand), ZNF341-AS1 (ZNF341 antisense RNA 1; minus strand). Cytogenetic location: 20q11.22.
Variant type: single nucleotide variant.
Coding change: c.2110G>A on transcript NM_001282933.2 (MANE Select); coding-DNA position 2110, G replaced by A.
Protein change: p.Ala704Thr; replaces alanine 704 with threonine.
Molecular consequence: missense variant. On other transcripts: non-coding transcript variant (1).
Genome position (GRCh38, 1-based): chr20:33,791,062, G>A. VCF-style: chr20-33791062-G-A. GRCh37 (hg19) VCF-style: chr20-32378868-G-A.
Other names: c.1840G>A, p.Ala614Thr (NM_001282935.2); c.2089G>A, p.Ala697Thr (NM_032819.5); short protein forms A704T, A614T, A697T.
Identifiers: ClinVar variation 1365444 (VCV001365444.3), dbSNP rs570540546, ClinGen allele CA9819707.